The following is an entry in ClinVar:

ClinVar aggregate classification (germline): Benign/Likely benign. Review status: criteria provided, multiple submitters, no conflicts (2 of 4 stars). 4 submissions from 4 submitters: Benign (1); Likely benign (3). Last evaluated 2026-01-01.

Conditions:
Von Hippel-Lindau syndrome (VHLS). Also called: von Hippel–Lindau syndrome; VHL syndrome; Von Hippel-Lindau. Identifiers: Orphanet 892, MedGen C0019562, MONDO:0008667, OMIM 193300. Disease mechanism: loss of function.
Chuvash polycythemia. Also called: POLYCYTHEMIA, VHL-DEPENDENT. Identifiers: Orphanet 238557, MedGen C1837915, MONDO:0009892, OMIM 263400.
Hereditary cancer-predisposing syndrome. Also called: Tumor predisposition; Hereditary Cancer Syndrome; Neoplastic Syndromes, Hereditary; Hereditary neoplastic syndrome. Identifiers: Orphanet 140162, MedGen C0027672, MeSH D009386, MONDO:0015356.

Allele frequency attached by ClinVar (database versions not stated): TOPMed 0.00001.

Submissions (4):

CeGaT Center for Human Genetics Tuebingen
Classification: Likely benign. Last evaluated: 2026-01-01. Review status: criteria provided, single submitter. Criteria: CeGaT Center For Human Genetics Tuebingen Variant Classification Criteria Version 2. Collection method: clinical testing. Allele origin: germline. Affected: yes. Observed: 1 variant allele.
Comment: VHL: PM2:Supporting, BP4, BP7

Myriad Genetics, Inc.
Classification: Benign for Von Hippel-Lindau syndrome. Last evaluated: 2025-06-10. Review status: criteria provided, single submitter. Criteria: Myriad Autosomal Dominant, Autosomal Recessive and X-Linked Classification Criteria (2023). Collection method: clinical testing. Allele origin: unknown.
Comment: This variant is considered benign. This variant is a silent/synonymous amino acid change and it is not expected to impact splicing.

Labcorp Genetics (formerly Invitae), Labcorp
Classification: Likely benign for Von Hippel-Lindau syndrome; Chuvash polycythemia. Last evaluated: 2024-12-30. Review status: criteria provided, single submitter. Criteria: Invitae Variant Classification Sherloc (09022015). Collection method: clinical testing. Allele origin: germline.

Ambry Genetics
Classification: Likely benign for Hereditary cancer-predisposing syndrome. Last evaluated: 2024-09-19. Review status: criteria provided, single submitter. Criteria: Ambry Variant Classification Scheme 2023. Collection method: clinical testing. Allele origin: germline.

NM_000551.4(VHL):c.150C>A (p.Ala50=)

Gene: VHL (von Hippel-Lindau tumor suppressor; plus strand). Cytogenetic location: 3p25.3.
Variant type: single nucleotide variant.
Coding change: c.150C>A on transcript NM_000551.4 (MANE Select); coding-DNA position 150, C replaced by A.
Protein change: p.Ala50=; no amino-acid change (alanine 50 retained).
Molecular consequence: synonymous variant.
Genome position (GRCh38, 1-based): chr3:10,141,997, C>A. VCF-style: chr3-10141997-C-A. GRCh37 (hg19) VCF-style: chr3-10183681-C-A.
Other names: c.150C>A, p.Ala50= (NM_001354723.2, NM_198156.3).
Identifiers: ClinVar variation 238101 (VCV000238101.18), dbSNP rs61751580, ClinGen allele CA10582112.
Genomic context (GRCh38, chr3:10,141,997, plus strand): 5'-GGAGGAGTCGGGCGCCGAGGAGTCCGGCCCGGAAGAGTCCGGCCCGGAGGAACTGGGCGC[C>A]GAGGAGGAGATGGAGGCCGGGCGGCCGCGGCCCGTGCTGCGCTCGGTGAACTCGCGCGAG-3'
Protein context (NP_000542.1, residues 40-60): PEESGPEELG[Ala50=]EEEMEAGRPR